The following is an entry in ClinVar:

NM_001370785.2(LRRC7):c.3678T>C (p.Ser1226=)

Genes: LRRC7 (leucine rich repeat containing 7; plus strand), LRRC7-AS1 (LRRC7 antisense RNA 1; minus strand). Cytogenetic location: 1p31.1.
Variant type: single nucleotide variant.
Coding change: c.3678T>C on transcript NM_001370785.2 (MANE Select); coding-DNA position 3678, T replaced by C.
Protein change: p.Ser1226=; no amino-acid change (serine 1226 retained).
Molecular consequence: synonymous variant.
Genome position (GRCh38, 1-based): chr1:70,039,502, T>C. VCF-style: chr1-70039502-T-C. GRCh37 (hg19) VCF-style: chr1-70505185-T-C.
Other names: c.3579T>C, p.Ser1193= (NM_001330635.3, NM_001366841.1); c.3681T>C, p.Ser1227= (NM_001350216.3); c.3678T>C, p.Ser1226= (NM_001366838.3); c.3519T>C, p.Ser1173= (NM_001366839.3).
Identifiers: ClinVar variation 4084540 (VCV004084540.8).
Genomic context (GRCh38, chr1:70,039,502, plus strand): 5'-GAATGGCAGGTATGAAGATGAACACCCTTCATATCAAGAAGTGAAAGCTCAGGCGGGAAG[T>C]TTTCCGGTTAAAAACCTTACCCAAAGGAGGCCATTGTCTGCGAGAAGCTACAGTACAGAG-3'
Protein context (NP_001357714.1, residues 1216-1236): SYQEVKAQAG[Ser1226=]FPVKNLTQRR

ClinVar aggregate classification (germline): Likely benign (1 of 4 stars; one submission).

gnomAD v4.1: 198 of 1,613,918 alleles (0.012%); highest among the groups gnomAD compares: Non-Finnish European, 0.016%; no homozygotes.

Submission:

CeGaT Center for Human Genetics Tuebingen
Classification: Likely benign. Last evaluated: 2025-06-01. Review status: criteria provided, single submitter. Criteria: CeGaT Center For Human Genetics Tuebingen Variant Classification Criteria Version 2. Collection method: clinical testing. Allele origin: germline. Affected: yes. Observed: 1 variant allele.
Comment: LRRC7: BP4, BP7